The following is an entry in ClinVar:

ClinVar aggregate classification (germline): Likely pathogenic (1 of 4 stars; one submission).

Conditions:
Hereditary cancer-predisposing syndrome. Also called: Neoplastic Syndromes, Hereditary; Tumor predisposition; Hereditary Cancer Syndrome; Hereditary neoplastic syndrome. Identifiers: Orphanet 140162, MedGen C0027672, MeSH D009386, MONDO:0015356.

Submission:

Ambry Genetics
Classification: Likely pathogenic for Hereditary cancer-predisposing syndrome. Last evaluated: 2025-07-17. Review status: criteria provided, single submitter. Criteria: Ambry Variant Classification Scheme 2023. Collection method: clinical testing. Allele origin: germline.
Comment: The c.756+1G>T intronic variant results from a G to T substitution one nucleotide after coding exon 6 of the SUFU gene. Alterations that disrupt the canonical splice site are expected to cause aberrant splicing, resulting in an abnormal protein or a transcript that is subject to nonsense-mediated mRNA decay. In silico splice site analysis predicts that this alteration will weaken the native splice donor site; however, direct evidence is insufficient at this time (Ambry internal data). This variant is considered to be rare based on population cohorts in the Genome Aggregation Database (gnomAD). Based on the majority of available evidence to date, this variant is likely to be pathogenic.

NM_016169.4(SUFU):c.756+1G>T

Gene: SUFU (SUFU negative regulator of hedgehog signaling; plus strand). Cytogenetic location: 10q24.32.
Variant type: single nucleotide variant.
Coding change: c.756+1G>T on transcript NM_016169.4 (MANE Select); the canonical splice donor site of the intron after coding-DNA position 756, G replaced by T.
Molecular consequence: splice donor variant.
Genome position (GRCh38, 1-based): chr10:102,594,066, G>T. VCF-style: chr10-102594066-G-T. GRCh37 (hg19) VCF-style: chr10-104353823-G-T.
Other names: c.756+1G>T (NM_001178133.2).
Identifiers: ClinVar variation 4177534 (VCV004177534.1).